The following is an entry in ClinVar:

NM_001903.5(CTNNA1):c.2353C>T (p.Leu785Phe)

Gene: CTNNA1 (catenin alpha 1; plus strand). Cytogenetic location: 5q31.2.
Variant type: single nucleotide variant.
Coding change: c.2353C>T on transcript NM_001903.5 (MANE Select); coding-DNA position 2353, C replaced by T.
Protein change: p.Leu785Phe; replaces leucine 785 with phenylalanine.
Molecular consequence: missense variant. On other transcripts: intron variant (1).
Genome position (GRCh38, 1-based): chr5:138,932,632, C>T. VCF-style: chr5-138932632-C-T. GRCh37 (hg19) VCF-style: chr5-138268321-C-T.
Other names: c.2353C>T, p.Leu785Phe (NM_001290307.3, NM_001323982.2, NM_001323983.1 and 2 more transcripts); c.2044C>T, p.Leu682Phe (NM_001290309.3); c.1984C>T, p.Leu662Phe (NM_001290310.3); c.1243C>T, p.Leu415Phe (NM_001290312.1, NM_001323987.1, NM_001323988.1 and 16 more transcripts); c.2260C>T, p.Leu754Phe (NM_001323986.2); c.904C>T, p.Leu302Phe (NM_001324006.1, NM_001324007.1, NM_001324008.1 and 2 more transcripts); c.1150C>T, p.Leu384Phe (NM_001324011.1); c.1000C>T, p.Leu334Phe (NM_001324012.1, NM_001324013.1); and 1 more; short protein forms L302F, L334F, L384F, L415F, L662F, L682F, L754F, L785F.
Identifiers: ClinVar variation 3221901 (VCV003221901.2), dbSNP rs1765619183, ClinGen allele CA361134388.

ClinVar aggregate classification (germline): Uncertain significance. Review status: criteria provided, multiple submitters, no conflicts (2 of 4 stars). 2 submissions from 2 submitters: Uncertain significance (2). Last evaluated 2025-07-15.

Conditions:
Hereditary cancer-predisposing syndrome. Also called: Tumor predisposition; Hereditary neoplastic syndrome; Hereditary Cancer Syndrome; Neoplastic Syndromes, Hereditary. Identifiers: Orphanet 140162, MedGen C0027672, MeSH D009386, MONDO:0015356.

Submissions (2):

Labcorp Genetics (formerly Invitae), Labcorp
Classification: Uncertain significance. Last evaluated: 2025-07-15. Review status: criteria provided, single submitter. Criteria: Invitae Variant Classification Sherloc (09022015). Collection method: clinical testing. Allele origin: germline.
Comment: This sequence change replaces leucine, which is neutral and non-polar, with phenylalanine, which is neutral and non-polar, at codon 785 of the CTNNA1 protein (p.Leu785Phe). This variant is not present in population databases (gnomAD no frequency). This variant has not been reported in the literature in individuals affected with CTNNA1-related conditions. ClinVar contains an entry for this variant (Variation ID: 3221901). An algorithm developed to predict the effect of missense changes on protein structure and function (PolyPhen-2) suggests that this variant is likely to be disruptive. In summary, the available evidence is currently insufficient to determine the role of this variant in disease. Therefore, it has been classified as a Variant of Uncertain Significance.

Ambry Genetics
Classification: Uncertain significance for Hereditary cancer-predisposing syndrome. Last evaluated: 2023-12-18. Review status: criteria provided, single submitter. Criteria: Ambry Variant Classification Scheme 2023. Collection method: clinical testing. Allele origin: germline.
Comment: The p.L785F variant (also known as c.2353C>T), located in coding exon 16 of the CTNNA1 gene, results from a C to T substitution at nucleotide position 2353. The leucine at codon 785 is replaced by phenylalanine, an amino acid with highly similar properties. This amino acid position is conserved. In addition, the in silico prediction for this alteration is inconclusive. Since supporting evidence is limited at this time, the clinical significance of this alteration remains unclear.